The following is an entry in ClinVar:

ClinVar aggregate classification (germline): Uncertain significance (1 of 4 stars; one submission).

Conditions:
Cardiovascular phenotype. Identifiers: MedGen CN230736.

Submission:

Ambry Genetics
Classification: Uncertain significance for Cardiovascular phenotype. Last evaluated: 2023-12-15. Review status: criteria provided, single submitter. Criteria: Ambry Variant Classification Scheme 2023. Collection method: clinical testing. Allele origin: germline.
Comment: The p.A397G variant (also known as c.1190C>G), located in coding exon 10 of the EFEMP2 gene, results from a C to G substitution at nucleotide position 1190. The alanine at codon 397 is replaced by glycine, an amino acid with similar properties. This amino acid position is conserved. In addition, the in silico prediction for this alteration is inconclusive. Since supporting evidence is limited at this time, the clinical significance of this alteration remains unclear.

NM_016938.5(EFEMP2):c.1190C>G (p.Ala397Gly)

Genes: EFEMP2 (EGF containing fibulin extracellular matrix protein 2; minus strand), MUS81 (MUS81 structure-specific endonuclease subunit; plus strand). Cytogenetic location: 11q13.1.
Variant type: single nucleotide variant.
Coding change: c.1190C>G on transcript NM_016938.5 (MANE Select); coding-DNA position 1190, C replaced by G.
Protein change: p.Ala397Gly; replaces alanine 397 with glycine.
Molecular consequence: missense variant. On other transcripts: non-coding transcript variant (1).
Genome position (GRCh38, 1-based): chr11:65,867,060, G>C on the plus strand (C>G on the coding strand, the complement: EFEMP2 is on the minus strand). VCF-style: chr11-65867060-G-C. GRCh37 (hg19) VCF-style: chr11-65634531-G-C.
Other names: short protein forms A397G.
Identifiers: ClinVar variation 3226923 (VCV003226923.1), dbSNP rs2495570082, ClinGen allele CA381349686.
Genomic context (GRCh38, chr11:65,867,060, plus strand): 5'-ATCTCCAGGTCCAGCACGTACTCCCGGGGGCCCGTCACCGGCCGGGCGAGGACCAGCATG[G>C]CGCTGACGTTGTTGATTTGCTGCAGGGCAGTGGGTGGGGGGACATATATATTGTGTCAGC-3'
Protein context (NP_058634.4, residues 387-407): FYIRQINNVS[Ala397Gly]MLVLARPVTG